The following is an entry in ClinVar:

NM_001370259.2(MEN1):c.1436G>A (p.Arg479Gln)

Gene: MEN1 (menin 1; minus strand). Cytogenetic location: 11q13.1.
Variant type: single nucleotide variant.
Coding change: c.1436G>A on transcript NM_001370259.2 (MANE Select); coding-DNA position 1436, G replaced by A.
Protein change: p.Arg479Gln; replaces arginine 479 with glutamine.
Molecular consequence: missense variant. On other transcripts: non-coding transcript variant (4).
Genome position (GRCh38, 1-based): chr11:64,804,731, C>T on the plus strand (G>A on the coding strand, the complement: MEN1 is on the minus strand). VCF-style: chr11-64804731-C-T. GRCh37 (hg19) VCF-style: chr11-64572203-C-T.
Other names: c.1436G>A, p.Arg479Gln (NM_001370260.2, NM_001370261.2, NM_001407146.1 and 2 more transcripts); c.1331G>A, p.Arg444Gln (NM_001370262.2, NM_001370263.2, NM_001407148.1 and 1 more transcripts); c.1562G>A, p.Arg521Gln (NM_001407142.1, NM_001407143.1, NM_001407144.1 and 1 more transcripts); c.1451G>A, p.Arg484Gln (NM_001407145.1, NM_130801.3, NM_130802.3 and 4 more transcripts); c.1577G>A, p.Arg526Gln (NM_001407150.1); c.1457G>A, p.Arg486Gln (NM_001407151.1); c.1271G>A, p.Arg424Gln (NM_001407152.1); short protein forms R444Q, R526Q, R479Q, R484Q, R486Q, R521Q, R424Q.
Identifiers: ClinVar variation 3294197 (VCV003294197.4).

ClinVar aggregate classification (germline): Uncertain significance. Review status: criteria provided, multiple submitters, no conflicts (2 of 4 stars). 3 submissions from 3 submitters: Uncertain significance (3). Last evaluated 2024-08-06.

Conditions:
Multiple endocrine neoplasia, type 1 (MEN1). Also called: MEN I; WERMER SYNDROME; Endocrine adenomatosis multiple; MEN 1; MEA I. Identifiers: Orphanet 652, MedGen C0025267, MeSH D018761, MONDO:0007540, OMIM 131100.
Hereditary cancer-predisposing syndrome. Also called: Neoplastic Syndromes, Hereditary; Hereditary neoplastic syndrome; Tumor predisposition; Hereditary Cancer Syndrome. Identifiers: Orphanet 140162, MedGen C0027672, MeSH D009386, MONDO:0015356.

Submissions (3):

All of Us Research Program, National Institutes of Health
Classification: Uncertain significance for Multiple endocrine neoplasia, type 1. Last evaluated: 2024-08-06. Review status: criteria provided, single submitter. Criteria: ACMG Guidelines, 2015. Collection method: clinical testing. Allele origin: germline. Inheritance: Autosomal dominant inheritance. Observed: 1 variant allele, 1 heterozygote.
Comment: This study involves interpretation of variants in research participants for the purpose of population health screening. Participant phenotype was not available at the time of variant classification. Additional details can be found in publication PMID: 35346344, PMCID: PMC8962531

Labcorp Genetics (formerly Invitae), Labcorp
Classification: Uncertain significance for Multiple endocrine neoplasia, type 1. Last evaluated: 2024-06-11. Review status: criteria provided, single submitter. Criteria: Invitae Variant Classification Sherloc (09022015). Collection method: clinical testing. Allele origin: germline.
Comment: This sequence change replaces arginine, which is basic and polar, with glutamine, which is neutral and polar, at codon 479 of the MEN1 protein (p.Arg479Gln). This variant is not present in population databases (gnomAD no frequency). This variant has not been reported in the literature in individuals affected with MEN1-related conditions. Advanced modeling of protein sequence and biophysical properties (such as structural, functional, and spatial information, amino acid conservation, physicochemical variation, residue mobility, and thermodynamic stability) performed at Invitae indicates that this missense variant is expected to disrupt MEN1 protein function with a positive predictive value of 95%. In summary, the available evidence is currently insufficient to determine the role of this variant in disease. Therefore, it has been classified as a Variant of Uncertain Significance.

Ambry Genetics
Classification: Uncertain significance for Hereditary cancer-predisposing syndrome. Last evaluated: 2024-03-23. Review status: criteria provided, single submitter. Criteria: Ambry Variant Classification Scheme 2023. Collection method: clinical testing. Allele origin: germline.
Comment: The p.R479Q variant (also known as c.1436G>A), located in coding exon 9 of the MEN1 gene, results from a G to A substitution at nucleotide position 1436. The arginine at codon 479 is replaced by glutamine, an amino acid with highly similar properties. This amino acid position is conserved. In addition, the in silico prediction for this alteration is inconclusive. Based on the available evidence, the clinical significance of this alteration remains unclear.